The following is an entry in ClinVar:

ClinVar aggregate classification (germline): Uncertain significance (0 of 4 stars; one submission).

Conditions:
SEMA3F-related disorder. Also called: SEMA3F-related condition.

gnomAD v4.1: 4 of 1,614,026 alleles (0.00025%); highest among the groups gnomAD compares: Non-Finnish European, 0.00025%; no homozygotes.

Submission:

PreventionGenetics, part of Exact Sciences
Classification: Uncertain significance for SEMA3F-related condition. Last evaluated: 2024-06-10. Review status: no assertion criteria provided. Collection method: clinical testing. Allele origin: germline.
Comment: The SEMA3F c.1039A>T variant is predicted to result in the amino acid substitution p.Thr347Ser. To our knowledge, this variant has not been reported in the literature or in a large population database, indicating this variant is rare. At this time, the clinical significance of this variant is uncertain due to the absence of conclusive functional and genetic evidence.

NM_004186.5(SEMA3F):c.1039A>T (p.Thr347Ser)

Gene: SEMA3F (semaphorin 3F; plus strand). Cytogenetic location: 3p21.31.
Variant type: single nucleotide variant.
Coding change: c.1039A>T on transcript NM_004186.5 (MANE Select); coding-DNA position 1039, A replaced by T.
Protein change: p.Thr347Ser; replaces threonine 347 with serine.
Molecular consequence: missense variant.
Genome position (GRCh38, 1-based): chr3:50,183,206, A>T. VCF-style: chr3-50183206-A-T. GRCh37 (hg19) VCF-style: chr3-50220639-A-T.
Other names: c.742A>T, p.Thr248Ser (NM_001318798.2); c.946A>T, p.Thr316Ser (NM_001318800.2); short protein forms T248S, T316S, T347S.
Identifiers: ClinVar variation 3345289 (VCV003345289.1).